The following is an entry in ClinVar:

NM_170601.5(SIAE):c.146dup (p.Phe50fs)

Gene: SIAE (sialic acid acetylesterase; minus strand). Cytogenetic location: 11q24.2.
Variant type: Duplication.
Coding change: c.146dup on transcript NM_170601.5 (MANE Select); coding-DNA position 146, one base duplicated (G; older notation c.146dupG).
Protein change: p.Phe50fs; shifts the reading frame from phenylalanine 50.
Molecular consequence: frameshift variant.
Genome position (GRCh38, 1-based): chr11:124,669,443, C duplicated on the plus strand (G on the coding strand, the reverse complement: SIAE is on the minus strand); the first of 4 consecutive C bases (chr11:124,669,443-124,669,446); duplicating any one gives the same sequence. VCF-style (leftmost placement, unchanged base first): chr11-124669442-G-GC. GRCh37 (hg19) VCF-style: chr11-124539338-G-GC.
Other names: c.41dup, p.Phe15fs (NM_001199922.2); short protein forms F50fs, F15fs.
Identifiers: ClinVar variation 2867992 (VCV002867992.3), dbSNP rs774890000, ClinGen allele CA6341647.

ClinVar aggregate classification (germline): Uncertain significance (1 of 4 stars; one submission).

Submission:

Labcorp Genetics (formerly Invitae), Labcorp
Classification: Uncertain significance. Last evaluated: 2023-01-11. Review status: criteria provided, single submitter. Criteria: Invitae Variant Classification Sherloc (09022015). Collection method: clinical testing. Allele origin: germline.
Comment: In summary, the available evidence is currently insufficient to determine the role of this variant in disease. Therefore, it has been classified as a Variant of Uncertain Significance. This variant has not been reported in the literature in individuals affected with SIAE-related conditions. This variant is present in population databases (rs774890000, gnomAD 0.006%). This sequence change creates a premature translational stop signal (p.Phe50Leufs*31) in the SIAE gene. It is expected to result in an absent or disrupted protein product. However, the current clinical and genetic evidence is not sufficient to establish whether loss-of-function variants in SIAE cause disease.